The following is an entry in ClinVar:

NM_001370658.1(BTD):c.252T>C (p.Asp84=)

Gene: BTD (biotinidase; plus strand). Cytogenetic location: 3p25.1.
Variant type: single nucleotide variant.
Coding change: c.252T>C on transcript NM_001370658.1 (MANE Select); coding-DNA position 252, T replaced by C.
Protein change: p.Asp84=; no amino-acid change (aspartic acid 84 retained).
Molecular consequence: synonymous variant.
Genome position (GRCh38, 1-based): chr3:15,641,910, T>C. VCF-style: chr3-15641910-T-C. GRCh37 (hg19) VCF-style: chr3-15683417-T-C.
Other names: c.312T>C, p.Asp104= (NM_000060.4); c.252T>C, p.Asp84= (NM_001281723.4, NM_001281724.3, NM_001281725.3 and 36 more transcripts); c.315T>C, p.Asp105= (NM_001407381.1).
Identifiers: ClinVar variation 723988 (VCV000723988.19), dbSNP rs138545268, ClinGen allele CA2277294.

ClinVar aggregate classification (germline): Likely benign. Review status: criteria provided, multiple submitters, no conflicts (2 of 4 stars). 5 submissions from 5 submitters: Likely benign (4). 1 of the submissions does not count toward it. Last evaluated 2026-01-19.

Conditions:
BTD-related disorder. Also called: BTD-related condition.
Biotinidase deficiency. Also called: Biotin deficiency; BTD deficiency; Late-onset biotin-responsive multiple carboxylase deficiency. Identifiers: Orphanet 79241, MedGen C0220754, MONDO:0009665, OMIM 253260.

Allele frequency attached by ClinVar (database versions not stated): gnomAD exomes 0.00004 and 0.00013; ExAC 0.00024; ESP Exome Variant Server 0.00031; gnomAD 0.00050 and 0.00056; TOPMed 0.00061; 1000 Genomes Project 30x 0.00109; 1000 Genomes Project 0.00140.
gnomAD v4.1: 148 of 1,604,840 alleles (0.0092%); highest among the groups gnomAD compares: African/African-American, 0.17%; no homozygotes.

Submissions (5):

Labcorp Genetics (formerly Invitae), Labcorp
Classification: Likely benign for Biotinidase deficiency. Last evaluated: 2026-01-19. Review status: criteria provided, single submitter. Criteria: Invitae Variant Classification Sherloc (09022015). Collection method: clinical testing. Allele origin: germline.

Blueprint Genetics
Classification: Likely benign. Last evaluated: 2024-11-25. Review status: criteria provided, single submitter. Criteria: ACMG Guidelines, 2015. Collection method: clinical testing. Allele origin: germline.

ARUP Laboratories, Molecular Genetics and Genomics, ARUP Laboratories
Classification: Likely benign for Biotinidase deficiency. Last evaluated: 2020-12-07. Review status: criteria provided, single submitter. Criteria: ARUP Molecular Germline Variant Investigation Process 2021. Collection method: clinical testing. Allele origin: germline.

Breakthrough Genomics
Classification: Likely benign. Review status: criteria provided, single submitter. Criteria: ACMG Guidelines, 2015. Collection method: not provided. Allele origin: germline. Inheritance: Autosomal recessive inheritance. Affected: yes.

PreventionGenetics, part of Exact Sciences
Classification: Likely benign for BTD-related condition. Last evaluated: 2024-08-28. Review status: no assertion criteria provided. Collection method: clinical testing. Allele origin: germline. Not counted in ClinVar's aggregate classification.
Comment: This variant is classified as likely benign based on ACMG/AMP sequence variant interpretation guidelines (Richards et al. 2015 PMID: 25741868, with internal and published modifications).